The following continues an entry in ClinVar:

NM_000492.4(CFTR):c.220C>T (p.Arg74Trp)

Gene: CFTR. ClinVar aggregate classification (germline): drug response. drug response (1).

Submissions 11 to 16 of 25:

PreventionGenetics, part of Exact Sciences
Classification: Uncertain significance for CFTR-related condition. Last evaluated: 2023-12-08. Review status: criteria provided, single submitter. Criteria: ACMG Guidelines, 2015. Collection method: clinical testing. Allele origin: germline. Not counted in ClinVar's aggregate classification.
Comment: The CFTR c.220C>T variant is predicted to result in the amino acid substitution p.Arg74Trp. This variant has been reported in the heterozygous state, in the absence of a second variant, in an individual with cystic fibrosis (Claustres et al. 1993. PubMed ID: 7691344) and in a patient with congenital bilateral absence of the vas deferens (Chamayou et al. 2020. PubMed ID: 32357917). The p.Arg74Trp variant resulted in minimal disruption to CFTR processing in HeLa and FRT cells, suggesting normal CFTR maturation (Fanen et al. 1999. PubMed ID: 10386624; Sosnay et al 2013. PubMed ID: 23974870; Van Goor et al. 2014. PubMed ID: 23891399). In FRT cells, the p.Arg74Trp variant retained nearly half of wild-type CFTR chloride channel transport function, which was restored to wild-type levels with ivacaftor, suggesting a mild defect in channel conductance (Sosnay et al 2013. PubMed ID: 23974870; Van Goor et al. 2014. PubMed ID: 23891399). However, in HeLa cells, the p.Arg74Trp variant did not affect cAMP-responsive anion conductance of CFTR (Fanen et al. 1999. PubMed ID: 10386624). The p.Arg74Trp variant is documented in 40 patients in the CFTR2 database with an average sweat chloride concentration of 61 mEq/L, compared to an average of 96 mEq/L for all patients in CFTR2 with two CF-causing variants. This variant is reported in up to ~1.3% of alleles in individuals of African descent in gnomAD, including three homozygous individuals of unknown phenotype. In ClinVar, this variant has conflicting interpretations of pathogenicity ranging from benign to pathogenic. In summary, due to conflicting genetic and functional evidence, the clinical significance of the p.Arg74Trp variant is uncertain. Of note, the p.Arg74Trp and p.Asp1270Asn variants have been reported in linkage (on the same allele) and are collectively referred to as p.[Arg74Trp;Asp1270Asn]. Variant phasing information in gnomAD indicates that the p.Arg74Trp and p.Asp1270Asn variants likely occur in cis within the African, Latino/Admixed American and European (non-Finnish) subpopulations, but may rarely occur independently of each other. Consistent with this, one study observed that 94% of individuals carrying the p.Asp1270Asn variant also carried the p.Arg74Trp variant (Sugarman et al. 2004. PubMed ID: 15371903). The p.[Arg74Trp; Asp1270Asn] complex allele has been reported in compound heterozygous individuals with CBAVD and obstructive bronchitis (Claustres et al. 2004. PubMed ID: 15287992; Terlizzi et al. 2017. PubMed ID: 27738188; Chamayou et al. 2020. PubMed ID: 32357917), but has also been observed in the compound heterozygous state in asymptomatic individuals (Verlingue et al. 1993. PubMed ID: 7513889; Claustres et al. 2004. PubMed ID: 15287992; Terlizzi et al. 2017. PubMed ID: 27738188). In HeLa cells, the p.[Arg74Trp; Asp1270Asn] variant did not affect CFTR processing but did result in impaired cAMP-responsive anion conductance (Fanen et al. 1999. PubMed ID: 10386624). The authors suggest that both variants together may lead to a synergistic effect to further impair CFTR function than either variant in isolation (Fanen et al. 1999. PubMed ID: 10386624; Claustres et al. 2004. PubMed ID: 15287992). In addition, Sosnay et al. in a comprehensive study of CFTR variants classified these variants as “indeterminate” (Sosnay et al 2013. PubMed ID: 23974870). In ClinVar, the complex allele p.[Arg74Trp; Asp1270Asn] is interpreted as uncertain. In summary, due to the conflicting genetic and functional evidence, the clinical significance of the complex p.[Arg74Trp; Asp1270Asn] variant is also uncertain.

ARUP Laboratories, Molecular Genetics and Genomics, ARUP Laboratories
Classification: Uncertain significance. Last evaluated: 2023-10-27. Review status: criteria provided, single submitter. Criteria: ARUP Molecular Germline Variant Investigation Process 2024. Collection method: clinical testing. Allele origin: germline. Not counted in ClinVar's aggregate classification.
Comment: The CFTR c.220C>T; p.Arg74Trp variant (rs115545701) is reported in the medical literature as part of a complex allele with other variants, c.601G>A and c.3808G>A, on the same chromosome in individuals diagnosed with pancreatitis, infertility and/or congenital absence of vas deferens, often in trans with another pathogenic CFTR variant (Bareil 2007, Brugnon 2008, Claustres 2004, Gallati 2009, Lucarelli 2015, Masson 2013, Picci 2010, Steiner 2011). However, the p.Arg74Trp variant has not been described alone in the medical literature in individuals who are clinically affected with a CFTR-related disorder. Alone this variant contains an entry in ClinVar (Variation ID: 196277) and is observed in the general population databases at a frequency of 0.17% (485/282362 alleles, 3 homozygotes) in the Genome Aggregation database. Computational analyses are uncertain whether this variant is neutral or deleterious (REVEL: 0.476). Functional analyses suggest this variant has modestly decreased chloride channel activity (44% of wildtype), but it is unclear if this difference is clinically significant (Van Goor 2014). Considering available information, the clinical significance of the p.Arg74Trp variant when discovered alone is uncertain at this time. References: Bareil C et al. Comprehensive and rapid genotyping of mutations and haplotypes in congenital bilateral absence of the vas deferens and other cystic fibrosis transmembrane conductance regulator-related disorders. J Mol Diagn. 2007 Nov;9(5):582-8. PMID: 17975025. Brugnon F et al. Outcome of intracytoplasmic sperm injection for a couple in which the man is carrier of CFTR p.[R74W;V201M;D1270N] and p.P841R mutations and his spouse a heterozygous carrier of p.F508del mutation of the cystic fibrosis transmembrane conductance regulator gene. Fertil Steril. 2008 Nov;90(5):2004.e23-6. PMID: 18703181. Claustres M et al. Are p.I148T, p.R74W and p.D1270N cystic fibrosis causing mutations? BMC Med Genet. 2004 Aug 2;5:19. PMID: 15287992. Gallati S et al. Cystic fibrosis transmembrane conductance regulator mutations in azoospermic and oligospermic men and their partners. Reprod Biomed Online. 2009 Nov;19(5):685-94. PMID: 20021716. Lucarelli M et al. A Genotypic-Oriented View of CFTR Genetics Highlights Specific Mutational Patterns Underlying Clinical Macrocategories of Cystic Fibrosis. Mol Med. 2015 Apr 21;21:257-75. PMID: 25910067. Masson E et al. A conservative assessment of the major genetic causes of idiopathic chronic pancreatitis: data from a comprehensive analysis of PRSS1, SPINK1, CTRC and CFTR genes in 253 young French patients. PLoS One. 2013 Aug 8;8(8):e73522. PMID: 23951356. Picci L et al. A 10-year large-scale cystic fibrosis carrier screening in the Italian population. J Cyst Fibros. 2010 Jan;9(1):29-35. PMID: 19897426. Steiner B et al. Common CFTR haplotypes and susceptibility to chronic pancreatitis and congenital bilateral absence of the vas deferens. Hum Mutat. 2011 Aug;32(8):912-20. PMID: 21520337. Van Goor F et al. Effect of ivacaftor on CFTR forms with missense mutations associated with defects in protein processing or function. J Cyst Fibros. 2014 Jan;13(1):29-36. PMID: 23891399.

Mayo Clinic Laboratories, Mayo Clinic
Classification: Uncertain significance. Last evaluated: 2023-05-23. Review status: criteria provided, single submitter. Criteria: ACMG Guidelines, 2015. Collection method: clinical testing. Allele origin: germline. Observed: 23 variant alleles. Not counted in ClinVar's aggregate classification.

Women's Health and Genetics/Laboratory Corporation of America, LabCorp
Classification: Uncertain significance. Last evaluated: 2023-01-30. Review status: criteria provided, single submitter. Criteria: LabCorp Variant Classification Summary - May 2015. Collection method: clinical testing. Allele origin: germline. Not counted in ClinVar's aggregate classification.
Comment: Variant summary: CFTR c.220C>T (p.Arg74Trp) results in a non-conservative amino acid change in the encoded protein sequence. Four of five in-silico tools predict a damaging effect of the variant on protein function. The variant allele was found at a frequency of 0.0042 in 153760 control chromosomes (gnomAD v3 genomes dataset and publication data), predominantly at a frequency of 0.013 within the African or African-American subpopulation, including 6 homozygotes in the gnomAD database (v3 genomes dataset). This frequency is close to the estimated maximal expected allele frequency for a pathogenic variant in CFTR causing Cystic Fibrosis phenotype (0.013). However, the c.220C>T (p.Arg74Trp) variant is frequently reported in complex (i.e. in cis) with ether the c.3808G>A (p.Asp1270Asn) and/or c.601G>A (p.Val201Met) variant. The first two variants (i.e. R74W and D1270N) were individually found in control databases at very similar frequencies and allele counts in the African subpopulation, and variant co-occurrence (phasing) information in gnomAD indicates that these two variants are likely in cooccurrence (i.e. on the same haplotype) within the African, Latino/Admixed American and European (non-Finnish) subpopulations. Therefore, it is very likely that the majority of the gnomAD population carried the [R74W;D1270N] complex allele. Independent studies have shown that the R74W variant protein matures fully with complete processing (Fanen_1999), but in vitro assays have also shown a minor impact on splicing (i.e. an increase in exon 3 skipping; Aissat_2013), and a mild impairment on chloride channel function (Van Goor_2013). An extensive amount of published case studies report this variant as part of different complex alleles, e.g. p.[R74W;D1270N], p.[R74W;V201M;D1270N], p.[TG12T5;R74W], in affected individuals mostly associated with CFTR-RD and particularly CBAVD. However, these complex alleles have been also found in trans with a severe CF-causing variant in asymptomatic (i.e. non-CF) individuals (Claustres_2017, Verlingue_1993), thus they may not be sufficient to cause a classic CF disease phenotype. In conclusion, there is no sufficient evidence to suggest that the R74W variant in isolation, when combined with a deleterious variant in trans, is pathogenic. The variant was classified as indeterminate by Sosnay et al (2013), while the CFTR2 database lists the isolated variant as variant of varying clinical consequence. Multiple other submitters have provided clinical-significance assessments for this variant in ClinVar after 2014, and classified the variant conflicting assessments as pathogenic/likely pathogenic (n=6), VUS (n=7), likely benign/benign (n=4). Based on the evidence outlined above, the variant was classified as uncertain significance.

Department of Pathology and Laboratory Medicine, Sinai Health System
Classification: Uncertain significance for cystic fibrosis. Last evaluated: 2022-02-22. Review status: criteria provided, single submitter. Criteria: ACMG Guidelines, 2015. Collection method: research. Allele origin: germline. Not counted in ClinVar's aggregate classification.

Genome-Nilou Lab
Classification: Uncertain significance for Cystic fibrosis. Last evaluated: 2021-05-18. Review status: criteria provided, single submitter. Criteria: ACMG Guidelines, 2015. Collection method: clinical testing. Allele origin: germline. Affected: no. Not counted in ClinVar's aggregate classification.